The following is an entry in ClinVar:

NM_021096.4(CACNA1I):c.914C>T (p.Ala305Val)

Gene: CACNA1I (calcium voltage-gated channel subunit alpha1 I; plus strand). Cytogenetic location: 22q13.1.
Variant type: single nucleotide variant.
Coding change: c.914C>T on transcript NM_021096.4 (MANE Select); coding-DNA position 914, C replaced by T.
Protein change: p.Ala305Val; replaces alanine 305 with valine.
Molecular consequence: missense variant.
Genome position (GRCh38, 1-based): chr22:39,641,040, C>T. VCF-style: chr22-39641040-C-T. GRCh37 (hg19) VCF-style: chr22-40037045-C-T.
Other names: c.914C>T, p.Ala305Val (NM_001003406.2); c.914C>T (NM_021096.3); short protein forms A305V.
Identifiers: ClinVar variation 3026442 (VCV003026442.23), dbSNP rs775955886, ClinGen allele CA10243724.

ClinVar aggregate classification (germline): Conflicting classifications of pathogenicity. Review status: criteria provided, conflicting classifications (1 of 4 stars). 2 submissions from 2 submitters: Uncertain significance (1); Likely benign (1). Last evaluated 2024-03-20.

Allele frequency attached by ClinVar (database versions not stated): ExAC 0.00005; gnomAD 0.00007; TOPMed 0.00009.

Submissions (2):

Ambry Genetics
Classification: Uncertain significance. Last evaluated: 2024-03-20. Review status: criteria provided, single submitter. Criteria: Ambry Variant Classification Scheme 2023. Collection method: clinical testing. Allele origin: germline.

CeGaT Center for Human Genetics Tuebingen
Classification: Likely benign. Last evaluated: 2024-01-01. Review status: criteria provided, single submitter. Criteria: CeGaT Center For Human Genetics Tuebingen Variant Classification Criteria Version 2. Collection method: clinical testing. Allele origin: germline. Affected: yes. Observed: 1 variant allele.
Comment: CACNA1I: BS1